The following is an entry in ClinVar:

ClinVar aggregate classification (germline): Conflicting classifications of pathogenicity. Review status: criteria provided, conflicting classifications (1 of 4 stars). 5 submissions from 5 submitters: Uncertain significance (1); Benign (1); Likely benign (2). 1 of the submissions does not count toward it. Last evaluated 2025-06-01.

Conditions:
SMARCA2-related disorder. Also called: SMARCA2-related condition.
Inborn genetic diseases. Identifiers: MedGen C0950123, MeSH D030342.
Coffin Siris/Intellectual Disability. Identifiers: MedGen CN185481.

Allele frequency attached by ClinVar (database versions not stated): TOPMed 0.00004; gnomAD 0.00005; ESP Exome Variant Server 0.00008; gnomAD exomes 0.00008; ExAC 0.00009.
gnomAD v4.1: 125 of 1,614,028 alleles (0.0077%); highest among the groups gnomAD compares: Middle Eastern, 0.016%; no homozygotes.

Submissions (5):

CeGaT Center for Human Genetics Tuebingen
Classification: Likely benign. Last evaluated: 2025-06-01. Review status: criteria provided, single submitter. Criteria: CeGaT Center For Human Genetics Tuebingen Variant Classification Criteria Version 2. Collection method: clinical testing. Allele origin: germline. Affected: yes. Observed: 2 variant alleles.
Comment: SMARCA2: BP4

Blueprint Genetics
Classification: Likely benign. Last evaluated: 2024-09-13. Review status: criteria provided, single submitter. Criteria: ACMG Guidelines, 2015. Collection method: clinical testing. Allele origin: germline.

Ambry Genetics
Classification: Benign for Inborn genetic diseases. Last evaluated: 2019-09-05. Review status: criteria provided, single submitter. Criteria: Ambry Variant Classification Scheme 2023. Collection method: clinical testing. Allele origin: germline.

Genetic Services Laboratory, University of Chicago
Classification: Uncertain significance for Coffin Siris/Intellectual Disability. Last evaluated: 2014-02-14. Review status: criteria provided, single submitter. Criteria: ACMG Guidelines, 2007. Collection method: clinical testing. Allele origin: germline. Inheritance: Autosomal dominant inheritance. Observed: 1 variant allele.

PreventionGenetics, part of Exact Sciences
Classification: Likely benign for SMARCA2-related condition. Last evaluated: 2024-05-05. Review status: no assertion criteria provided. Collection method: clinical testing. Allele origin: germline. Not counted in ClinVar's aggregate classification.
Comment: This variant is classified as likely benign based on ACMG/AMP sequence variant interpretation guidelines (Richards et al. 2015 PMID: 25741868, with internal and published modifications).

Literature cited by the submitters: PubMed 28512736 (cited by Ambry Genetics).

NM_003070.5(SMARCA2):c.482C>T (p.Pro161Leu)

Gene: SMARCA2 (SWI/SNF related BAF chromatin remodeling complex subunit ATPase 2; plus strand). Cytogenetic location: 9p24.3.
Variant type: single nucleotide variant.
Coding change: c.482C>T on transcript NM_003070.5 (MANE Select); coding-DNA position 482, C replaced by T.
Protein change: p.Pro161Leu; replaces proline 161 with leucine.
Molecular consequence: missense variant.
Genome position (GRCh38, 1-based): chr9:2,039,592, C>T. VCF-style: chr9-2039592-C-T. GRCh37 (hg19) VCF-style: chr9-2039592-C-T.
Other names: c.482C>T (NM_003070.4); c.482C>T, p.Pro161Leu (NM_001289396.2, NM_001289397.2, NM_139045.4); short protein forms P161L.
Identifiers: ClinVar variation 126350 (VCV000126350.33), dbSNP rs149394378, ClinGen allele CA151095.